The following is an entry in ClinVar:

ClinVar aggregate classification (germline): Uncertain significance (1 of 4 stars; one submission).

Conditions:
Brugada syndrome. Also called: Sudden unexpected nocturnal death syndrome; Sudden unexplained nocturnal death syndrome; Sudden Unexplained Death Syndrome; Sudden Unexplained Nocturnal Death Syndrome (SUNDS). Identifiers: Orphanet 130, MedGen C1142166, MONDO:0015263.

Submission:

Labcorp Genetics (formerly Invitae), Labcorp
Classification: Uncertain significance for Brugada syndrome. Last evaluated: 2024-12-20. Review status: criteria provided, single submitter. Criteria: Invitae Variant Classification Sherloc (09022015). Collection method: clinical testing. Allele origin: germline.
Comment: This sequence change affects an acceptor splice site in intron 10 of the SCN10A gene. It is expected to disrupt RNA splicing. Variants that disrupt the donor or acceptor splice site typically lead to a loss of protein function (PMID: 16199547), however the current clinical and genetic evidence is not sufficient to establish whether loss-of-function variants in SCN10A cause disease. This variant is not present in population databases (gnomAD no frequency). This variant has not been reported in the literature in individuals affected with SCN10A-related conditions. Algorithms developed to predict the effect of sequence changes on RNA splicing suggest that this variant may disrupt the consensus splice site. In summary, the available evidence is currently insufficient to determine the role of this variant in disease. Therefore, it has been classified as a Variant of Uncertain Significance.

Literature cited by the submitters: PubMed 16199547.

NM_006514.4(SCN10A):c.1462-2A>G

Gene: SCN10A (sodium voltage-gated channel alpha subunit 10; minus strand). Cytogenetic location: 3p22.2.
Variant type: single nucleotide variant.
Coding change: c.1462-2A>G on transcript NM_006514.4 (MANE Select); the canonical splice acceptor site of the intron before coding-DNA position 1462, A replaced by G.
Molecular consequence: splice acceptor variant. On other transcripts: intron variant (1).
Genome position (GRCh38, 1-based): chr3:38,752,514, T>C on the plus strand (A>G on the coding strand, the complement: SCN10A is on the minus strand). VCF-style: chr3-38752514-T-C. GRCh37 (hg19) VCF-style: chr3-38794005-T-C.
Other names: c.1462-2330A>G (NM_001293307.2); c.1462-2A>G (NM_001293306.2).
Identifiers: ClinVar variation 3705450 (VCV003705450.2).